The following is an entry in ClinVar:

ClinVar aggregate classification (germline): Pathogenic (1 of 4 stars; one submission).

Conditions:
Intellectual developmental disorder, autosomal recessive 13. Also called: Intellectual disability, autosomal recessive 13. Identifiers: Orphanet 88616, MedGen C2750791, MONDO:0013173, OMIM 613192.

Allele frequency attached by ClinVar (database versions not stated): gnomAD exomes below 0.00001.
gnomAD v4.1: 1 of 1,614,046 alleles (0.000062%); highest among the groups gnomAD compares: Non-Finnish European, 0.000085%; no homozygotes.

Submission:

Women's Health and Genetics/Laboratory Corporation of America, LabCorp
Classification: Pathogenic for Intellectual developmental disorder, autosomal recessive 13. Last evaluated: 2024-01-31. Review status: criteria provided, single submitter. Criteria: LabCorp Variant Classification Summary - May 2015. Collection method: clinical testing. Allele origin: germline.
Comment: Variant summary: TRAPPC9 c.203G>A (p.Trp68X) results in a premature termination codon, predicted to cause a truncation of the encoded protein or absence of the protein due to nonsense mediated decay, which are commonly known mechanisms for disease. The variant was absent in 251446 control chromosomes. To our knowledge, no occurrence of c.203G>A in individuals affected with Intellectual Disability, Autosomal Recessive 13 and no experimental evidence demonstrating its impact on protein function have been reported. No submitters have cited clinical-significance assessments for this variant to ClinVar. Based on the evidence outlined above, the variant was classified as pathogenic.

NM_001160372.4(TRAPPC9):c.203G>A (p.Trp68Ter)

Gene: TRAPPC9 (trafficking protein particle complex subunit 9; minus strand). Cytogenetic location: 8q24.3.
Variant type: single nucleotide variant.
Coding change: c.203G>A on transcript NM_001160372.4 (MANE Select); coding-DNA position 203, G replaced by A.
Protein change: p.Trp68Ter; replaces tryptophan 68 with a stop codon.
Molecular consequence: nonsense. On other transcripts: non-coding transcript variant (1).
Genome position (GRCh38, 1-based): chr8:140,451,171, C>T on the plus strand (G>A on the coding strand, the complement: TRAPPC9 is on the minus strand). VCF-style: chr8-140451171-C-T. GRCh37 (hg19) VCF-style: chr8-141461270-C-T.
Other names: c.203G>A, p.Trp68Ter (NM_001321646.2, NM_001374682.1, NM_001374683.1 and 2 more transcripts); short protein forms W68*.
Identifiers: ClinVar variation 3063740 (VCV003063740.1), dbSNP rs2540545009, ClinGen allele CA372318999.